The following is an entry in ClinVar:

NM_001232.4(CASQ2):c.988C>G (p.Gln330Glu)

Gene: CASQ2 (calsequestrin 2; minus strand). Cytogenetic location: 1p13.1.
Variant type: single nucleotide variant.
Coding change: c.988C>G on transcript NM_001232.4 (MANE Select); coding-DNA position 988, C replaced by G.
Protein change: p.Gln330Glu; replaces glutamine 330 with glutamic acid.
Molecular consequence: missense variant.
Genome position (GRCh38, 1-based): chr1:115,702,947, G>C on the plus strand (C>G on the coding strand, the complement: CASQ2 is on the minus strand). VCF-style: chr1-115702947-G-C. GRCh37 (hg19) VCF-style: chr1-116245568-G-C.
Other names: short protein forms Q330E.
Identifiers: ClinVar variation 1768497 (VCV001768497.7), dbSNP rs767023791, ClinGen allele CA1023660.

ClinVar aggregate classification (germline): Uncertain significance. Review status: criteria provided, multiple submitters, no conflicts (2 of 4 stars). 3 submissions from 3 submitters: Uncertain significance (3). Last evaluated 2024-09-26.

Conditions:
Catecholaminergic polymorphic ventricular tachycardia 1. Also called: VENTRICULAR TACHYCARDIA, CATECHOLAMINERGIC POLYMORPHIC, 1, WITH OR WITHOUT ATRIAL DYSFUNCTION AND/OR DILATED CARDIOMYOPATHY; VENTRICULAR TACHYCARDIA, STRESS-INDUCED POLYMORPHIC 1; RYR2-Related Catecholaminergic Polymorphic Ventricular Tachycardia. Identifiers: Orphanet 3286, MedGen C1631597, MONDO:0011484, OMIM 604772.
Cardiovascular phenotype. Identifiers: MedGen CN230736.
Catecholaminergic polymorphic ventricular tachycardia 2. Also called: VENTRICULAR TACHYCARDIA, STRESS-INDUCED POLYMORPHIC 2; CASQ2-Related Catecholaminergic Polymorphic Ventricular Tachycardia. Identifiers: Orphanet 3286, MedGen C2677794, MONDO:0012762, OMIM 611938.

Allele frequency attached by ClinVar (database versions not stated): ExAC 0.00003; TOPMed 0.00003.
gnomAD v4.1: 5 of 1,613,688 alleles (0.00031%); highest among the groups gnomAD compares: Non-Finnish European, 0.00042%; no homozygotes.

Submissions (3):

Ambry Genetics
Classification: Uncertain significance for Cardiovascular phenotype. Last evaluated: 2024-09-26. Review status: criteria provided, single submitter. Criteria: Ambry Variant Classification Scheme 2023. Collection method: clinical testing. Allele origin: germline.

Labcorp Genetics (formerly Invitae), Labcorp
Classification: Uncertain significance for Catecholaminergic polymorphic ventricular tachycardia 1. Last evaluated: 2024-02-23. Review status: criteria provided, single submitter. Criteria: Invitae Variant Classification Sherloc (09022015). Collection method: clinical testing. Allele origin: germline.
Comment: This sequence change replaces glutamine, which is neutral and polar, with glutamic acid, which is acidic and polar, at codon 330 of the CASQ2 protein (p.Gln330Glu). This variant is present in population databases (rs767023791, gnomAD 0.003%). This variant has not been reported in the literature in individuals affected with CASQ2-related conditions. ClinVar contains an entry for this variant (Variation ID: 1768497). Advanced modeling of protein sequence and biophysical properties (such as structural, functional, and spatial information, amino acid conservation, physicochemical variation, residue mobility, and thermodynamic stability) has been performed at Invitae for this missense variant, however the output from this modeling did not meet the statistical confidence thresholds required to predict the impact of this variant on CASQ2 protein function. In summary, the available evidence is currently insufficient to determine the role of this variant in disease. Therefore, it has been classified as a Variant of Uncertain Significance.

Genome-Nilou Lab
Classification: Uncertain significance for Catecholaminergic polymorphic ventricular tachycardia 2. Last evaluated: 2023-04-11. Review status: criteria provided, single submitter. Criteria: ACMG Guidelines, 2015. Collection method: clinical testing. Allele origin: germline. Affected: no.